The following is an entry in ClinVar:

NM_017763.6(RNF43):c.1177G>C (p.Ala393Pro)

Gene: RNF43 (ring finger protein 43; minus strand). Cytogenetic location: 17q22.
Variant type: single nucleotide variant.
Coding change: c.1177G>C on transcript NM_017763.6 (MANE Select); coding-DNA position 1177, G replaced by C.
Protein change: p.Ala393Pro; replaces alanine 393 with proline.
Molecular consequence: missense variant.
Genome position (GRCh38, 1-based): chr17:58,358,599, C>G on the plus strand (G>C on the coding strand, the complement: RNF43 is on the minus strand). VCF-style: chr17-58358599-C-G. GRCh37 (hg19) VCF-style: chr17-56435960-C-G.
Other names: c.1177G>C, p.Ala393Pro (NM_001305544.3, NM_001438820.1, NM_001438821.1 and 1 more transcripts); c.796G>C, p.Ala266Pro (NM_001305545.2, NM_001437987.1); short protein forms A266P, A393P.
Identifiers: ClinVar variation 4155741 (VCV004155741.1).

ClinVar aggregate classification (germline): Uncertain significance (1 of 4 stars; one submission).

Submission:

Ambry Genetics
Classification: Uncertain significance. Last evaluated: 2025-07-11. Review status: criteria provided, single submitter. Criteria: Ambry Variant Classification Scheme 2023. Collection method: clinical testing. Allele origin: germline.
Comment: The p.A393P variant (also known as c.1177G>C), located in coding exon 8 of the RNF43 gene, results from a G to C substitution at nucleotide position 1177. The alanine at codon 393 is replaced by proline, an amino acid with highly similar properties. This amino acid position is conserved. In addition, this alteration is predicted to be tolerated by in silico analysis. Based on the available evidence, the clinical significance of this variant remains unclear.